The following is an entry in ClinVar:

ClinVar aggregate classification (germline): Likely benign (1 of 4 stars; one submission).

Allele frequency attached by ClinVar (database versions not stated): 1000 Genomes Project 30x 0.00156.

Submission:

CeGaT Center for Human Genetics Tuebingen
Classification: Likely benign. Last evaluated: 2023-05-01. Review status: criteria provided, single submitter. Criteria: CeGaT Center For Human Genetics Tuebingen Variant Classification Criteria Version 2. Collection method: clinical testing. Allele origin: germline. Affected: yes. Observed: 2 variant alleles.
Comment: GATAD2B: BS1

NC_000001.11:g.153799871G>T

Gene: GATAD2B (GATA zinc finger domain containing 2B; minus strand). Cytogenetic location: 1q21.3.
Variant type: single nucleotide variant.
Genome position: GRCh38 VCF-style: chr1-153799871-G-T. GRCh37 (hg19) VCF-style: chr1-153772347-G-T.
Identifiers: ClinVar variation 2498423 (VCV002498423.28), dbSNP rs555198334, ClinGen allele CA30746615.